The following is an entry in ClinVar:

ClinVar aggregate classification (germline): Conflicting classifications of pathogenicity. Review status: criteria provided, conflicting classifications (1 of 4 stars). 4 submissions from 4 submitters: Uncertain significance (3); Likely benign (1). Last evaluated 2026-06-29.

Conditions:
Usher syndrome type 1D (USH1D). Also called: USHER SYNDROME, TYPE ID. Identifiers: Orphanet 231169, Orphanet 886, MedGen C1832845, MONDO:0010984, OMIM 601067.
Usher syndrome type 1F (USH1F). Also called: USHER SYNDROME, TYPE IF. Identifiers: Orphanet 231169, Orphanet 886, MedGen C1865885, MONDO:0011186, OMIM 602083.
Autosomal recessive nonsyndromic hearing loss 23. Identifiers: Orphanet 90636, MedGen C1836027, MONDO:0012293, OMIM 609533.
PCDH15-related disorder. Also called: PCDH15-related condition; PCDH15-related disorders.

Submissions (4):

PreventionGenetics, part of Exact Sciences
Classification: Uncertain significance for PCDH15-related condition. Last evaluated: 2026-06-29. Review status: criteria provided, single submitter. Criteria: ACMG Guidelines, 2015. Collection method: clinical testing. Allele origin: germline.
Comment: The PCDH15 c.4975_4978dupGACA variant is predicted to result in a frameshift and premature protein termination (p.Asn1660Argfs*17). In an alternate transcript (NM_001354429.1), this variant results in a frameshift and premature protein truncation (p.Asn1660Argfs*17). This variant along with a missense variant has been reported in a patient with non-syndromic hearing loss (Gu et al. 2015. PubMed ID: 24853665, reported as NM_001142771.1 c.4877_4881insGACA: p.N1626Rfs*17). However, both the variants occurred at higher frequencies ~0.25% in individuals of East Asian descent in gnomAD and this variant is post-coding in the biologically relevant transcript for hearing loss known as CD2 (NM_001142769; Webb et al. 2011. PubMed ID: 21427143; Pepermans et al. 2014. PubMed ID: 24940003). At this time, the clinical significance of this variant is uncertain due to the absence of conclusive functional and genetic evidence.

GeneDx
Classification: Uncertain significance. Last evaluated: 2025-03-28. Review status: criteria provided, single submitter. Criteria: GeneDx Variant Classification Process June 2021. Collection method: clinical testing. Allele origin: germline. Affected: yes.
Comment: Reported in a patient with sporadic non-syndromic hearing loss in the published literature who also had variants in several other genes that may have been responsible for the phenotype; described as c.4877_4881insGA CA, p.N1626Rfs*17 due to alternative nomenclature (PMID: 24853665); Frameshift variant predicted to result in abnormal protein length as the last 59 amino acids are replaced with 16 different amino acids; Reported using an alternate transcript of the gene; This variant is associated with the following publications: (PMID: 24853665)

Blueprint Genetics
Classification: Likely benign. Last evaluated: 2023-04-04. Review status: criteria provided, single submitter. Criteria: ACMG Guidelines, 2015. Collection method: clinical testing. Allele origin: germline.

Juno Genomics, Hangzhou Juno Genomics, Inc
Classification: Uncertain significance for Usher syndrome type 1D; Usher syndrome type 1F; Autosomal recessive nonsyndromic hearing loss 23. Review status: criteria provided, single submitter. Criteria: ACMG Guidelines, 2015. Collection method: clinical testing. Allele origin: germline.
Comment: Null variant in a gene where loss of function (LOF) is a known mechanism of disease.

NM_001384140.1(PCDH15):c.5041_5044dup (p.Asn1682fs)

Gene: PCDH15 (protocadherin related 15; minus strand). Cytogenetic location: 10q21.1.
Variant type: Duplication.
Coding change: c.5041_5044dup on transcript NM_001384140.1 (MANE Select); coding-DNA positions 5041 to 5044, 4 bases duplicated (GACA; older notation c.5041_5044dupGACA).
Protein change: p.Asn1682fs; shifts the reading frame from asparagine 1682.
Molecular consequence: frameshift variant.
Genome position (GRCh38, 1-based): chr10:53,806,758-53,806,761, TGTC duplicated on the plus strand (GACA on the coding strand, the reverse complement: PCDH15 is on the minus strand). VCF-style (leftmost placement, unchanged base first): chr10-53806757-T-TTGTC. GRCh37 (hg19) VCF-style: chr10-55566517-T-TTGTC.
Other names: c.4867_4870dup, p.Asn1624fs (NM_001142771.2); c.4852_4855dup, p.Asn1619fs (NM_001142772.2); c.4846_4849dup, p.Asn1617fs (NM_001354420.2); c.4975_4978dup, p.Asn1660fs (NM_001354429.2); c.4975_4978dupGACA (NM_001354429.1); short protein forms N1617fs, N1619fs, N1624fs, N1660fs, N1682fs.
Identifiers: ClinVar variation 3355864 (VCV003355864.5).